The following is an entry in ClinVar:

ClinVar aggregate classification (germline): Likely pathogenic (1 of 4 stars; one submission).

Conditions:
Marfan syndrome (MFS). Also called: FBN1-Related Marfan Syndrome; Marfan syndrome type 1; Marfan's syndrome; Marfan syndrome, classic; MARFAN SYNDROME, TYPE I. Identifiers: Orphanet 284963, Orphanet 558, MedGen C0024796, MONDO:0007947, OMIM 154700.

Submission:

Women's Health and Genetics/Laboratory Corporation of America, LabCorp
Classification: Likely pathogenic for Marfan Syndrome. Last evaluated: 2011-08-18. Review status: criteria provided, single submitter. Criteria: LabCorp Variant Classification Summary - May 2015. Collection method: curation, clinical testing. Allele origin: germline. Inheritance: autosomal unknown. Affected: yes.
ClinVar note: Converted during submission from likely pathogenic to Likely pathogenic.

NM_000138.5(FBN1):c.8412_8417del (p.Lys2805_Ile2806del)

Gene: FBN1 (fibrillin 1; minus strand). Cytogenetic location: 15q21.1.
Variant type: Deletion.
Coding change: c.8412_8417del on transcript NM_000138.5 (MANE Select); coding-DNA positions 8412 to 8417, 6 bases deleted (TAAAAT; older notation c.8412_8417delTAAAAT).
Protein change: p.Lys2805_Ile2806del.
Molecular consequence: inframe deletion.
Genome position (GRCh38, 1-based): chr15:48,411,189-48,411,194, ATTTTA deleted on the plus strand (TAAAAT on the coding strand, the reverse complement: FBN1 is on the minus strand); deleting any 6 consecutive bases within chr15:48,411,189-48,411,195 gives the same sequence; the c. name uses the placement nearest the transcript's 3' end. VCF-style (leftmost placement, unchanged base first): chr15-48411188-GATTTTA-G. GRCh37 (hg19) VCF-style: chr15-48703385-GATTTTA-G.
Other names: c.8412_8417delTAAAAT (NM_000138.4).
Identifiers: ClinVar variation 36131 (VCV000036131.3), dbSNP rs193922246, ClinGen allele CA017730.
Genomic context (GRCh38, chr15:48,411,188, plus strand): 5'-GGTTCCAGCCACTGGCTTCTTCTTTGTGAAGTGGAGGTAGCTGATCCCTTCCTTTTGGTT[GATTTTA>G]AAGAAGCCATCTTCATTTCCAGATTCGATCAAGTATCTGTTGTGATTCGTCAGAGTTGTA-3'